The following is an entry in ClinVar:

ClinVar aggregate classification (germline): Uncertain significance (1 of 4 stars; one submission).

Submission:

Mayo Clinic Laboratories, Mayo Clinic
Classification: Uncertain significance. Last evaluated: 2025-07-24. Review status: criteria provided, single submitter. Criteria: ACMG Guidelines, 2015. Collection method: clinical testing. Allele origin: germline. Observed: 1 variant allele.
Comment: PP3

NM_001303.4(COX10):c.902C>T (p.Thr301Ile)

Genes: COX10 (cytochrome c oxidase assembly factor heme A:farnesyltransferase COX10; plus strand), LOC105943586 (distal CMT1A-REP; plus strand). Cytogenetic location: 17p12.
Variant type: single nucleotide variant.
Coding change: c.902C>T on transcript NM_001303.4 (MANE Select); coding-DNA position 902, C replaced by T.
Protein change: p.Thr301Ile; replaces threonine 301 with isoleucine.
Molecular consequence: missense variant.
Genome position (GRCh38, 1-based): chr17:14,192,195, C>T. VCF-style: chr17-14192195-C-T. GRCh37 (hg19) VCF-style: chr17-14095512-C-T.
Other names: p.Thr301Ile; short protein forms T301I.
Identifiers: ClinVar variation 4542129 (VCV004542129.1).